The following is an entry in ClinVar:

ClinVar aggregate classification (germline): Uncertain significance (1 of 4 stars; one submission).

Conditions:
Charcot-Marie-Tooth disease axonal type 2O. Also called: CHARCOT-MARIE-TOOTH DISEASE, AXONAL, AUTOSOMAL DOMINANT, TYPE 2O; CHARCOT-MARIE-TOOTH NEUROPATHY, AXONAL, TYPE 2O; Charcot-Marie-Tooth Neuropathy Type 2O; Charcot-Marie-Tooth disease, axonal, type 20. Identifiers: Orphanet 284232, MedGen C3280220, MONDO:0013644, OMIM 614228.

Submission:

Labcorp Genetics (formerly Invitae), Labcorp
Classification: Uncertain significance for Charcot-Marie-Tooth disease axonal type 2O. Last evaluated: 2022-07-04. Review status: criteria provided, single submitter. Criteria: Invitae Variant Classification Sherloc (09022015). Collection method: clinical testing. Allele origin: germline.
Comment: In summary, the available evidence is currently insufficient to determine the role of this variant in disease. Therefore, it has been classified as a Variant of Uncertain Significance. This variant has not been reported in the literature in individuals affected with DYNC1H1-related conditions. This variant is not present in population databases (gnomAD no frequency). This sequence change creates a premature translational stop signal (p.Phe4008Leufs*20) in the DYNC1H1 gene. It is expected to result in an absent or disrupted protein product. However, the current clinical and genetic evidence is not sufficient to establish whether loss-of-function variants in DYNC1H1 cause disease.

NM_001376.5(DYNC1H1):c.12024del (p.Phe4008fs)

Gene: DYNC1H1 (dynein cytoplasmic 1 heavy chain 1; plus strand). Cytogenetic location: 14q32.31.
Variant type: Deletion.
Coding change: c.12024del on transcript NM_001376.5 (MANE Select); coding-DNA position 12024, one base deleted (T; older notation c.12024delT).
Protein change: p.Phe4008fs; shifts the reading frame from phenylalanine 4008.
Molecular consequence: frameshift variant.
Genome position (GRCh38, 1-based): chr14:102,041,656, T deleted; the last of 3 consecutive T bases (chr14:102,041,654-102,041,656); deleting any one gives the same sequence. VCF-style (leftmost placement, unchanged base first): chr14-102041653-GT-G. GRCh37 (hg19) VCF-style: chr14-102507990-GT-G.
Other names: short protein forms F4008fs.
Identifiers: ClinVar variation 2013945 (VCV002013945.4), dbSNP rs2503855778, ClinGen allele CA2580088515.
Genomic context (GRCh38, chr14:102,041,653, plus strand): 5'-CCACCGCCTGCTCCTGATCCAGGCTTTCCGGCCCGATCGCCTGTTGGCCATGGCCCACAT[GT>G]TTGTTTCAACAAACCTTGGGGAGTCTTTCATGTCCATCATGGAGCAGCCGCTCGACCTGA-3'